The following is an entry in ClinVar:

NM_002292.4(LAMB2):c.2673C>T (p.Gly891=)

Gene: LAMB2 (laminin subunit beta 2; minus strand). Cytogenetic location: 3p21.31.
Variant type: single nucleotide variant.
Coding change: c.2673C>T on transcript NM_002292.4 (MANE Select); coding-DNA position 2673, C replaced by T.
Protein change: p.Gly891=; no amino-acid change (glycine 891 retained).
Molecular consequence: synonymous variant.
Genome position (GRCh38, 1-based): chr3:49,125,300, G>A on the plus strand (C>T on the coding strand, the complement: LAMB2 is on the minus strand). VCF-style: chr3-49125300-G-A. GRCh37 (hg19) VCF-style: chr3-49162733-G-A.
Other names: p.Gly891=.
Identifiers: ClinVar variation 258604 (VCV000258604.53), dbSNP rs144092322, ClinGen allele CA2394253.

ClinVar aggregate classification (germline): Benign/Likely benign. Review status: criteria provided, multiple submitters, no conflicts (2 of 4 stars). 11 submissions from 10 submitters: Benign (9); Likely benign (2). Last evaluated 2026-10-01.

Conditions:
LAMB2-related infantile-onset nephrotic syndrome. Also called: NEPHROTIC SYNDROME, TYPE 5, WITHOUT OCULAR ABNORMALITIES; NEPHROTIC SYNDROME, TYPE 5, WITH OCULAR ABNORMALITIES; Nephrotic Syndrome, type 5. Identifiers: Orphanet 306507, MedGen C3280113, MONDO:0013621, OMIM 614199.
Pierson syndrome. Also called: MICROCORIA-CONGENITAL NEPHROTIC SYNDROME. Identifiers: Orphanet 2670, MedGen C1836876, MONDO:0012184, OMIM 609049.
Focal segmental glomerulosclerosis (FSGS). Also called: Glomerulosclerosis, focal; Focal sclerosis with hyalinosis. Identifiers: MedGen C0017668, MONDO:0100313, HP:0000097. Disease mechanism: loss of function.

Allele frequency attached by ClinVar (database versions not stated): 1000 Genomes Project 0.00499; 1000 Genomes Project 30x 0.00593; gnomAD 0.00741 and 0.00760; TOPMed 0.00815; ESP Exome Variant Server 0.00900.

Submissions 1 to 29 of 45:

CeGaT Center for Human Genetics Tuebingen
Classification: Benign. Last evaluated: 2026-10-01. Review status: criteria provided, single submitter. Criteria: CeGaT Center For Human Genetics Tuebingen Variant Classification Criteria Version 2. Collection method: clinical testing. Allele origin: germline. Affected: yes. Observed: 10 variant alleles.
Comment: LAMB2: BS1, BS2

Labcorp Genetics (formerly Invitae), Labcorp
Classification: Benign for LAMB2-related infantile-onset nephrotic syndrome; Pierson syndrome. Last evaluated: 2026-01-26. Review status: criteria provided, single submitter. Criteria: Invitae Variant Classification Sherloc (09022015). Collection method: clinical testing. Allele origin: germline.

Mayo Clinic Laboratories, Mayo Clinic
Classification: Benign. Last evaluated: 2025-09-07. Review status: criteria provided, single submitter. Criteria: ACMG Guidelines, 2015. Collection method: clinical testing. Allele origin: germline. Observed: 11 variant alleles.
Comment: BS1, BS2, BP4, BP7

Blueprint Genetics
Classification: Likely benign. Last evaluated: 2024-11-26. Review status: criteria provided, single submitter. Criteria: ACMG Guidelines, 2015. Collection method: clinical testing. Allele origin: germline.

Genome Diagnostics Laboratory, The Hospital for Sick Children
Classification: Likely benign for Focal segmental glomerulosclerosis. Last evaluated: 2021-12-06. Review status: criteria provided, single submitter. Criteria: ACMG Guidelines, 2015. Collection method: clinical testing. Allele origin: germline.

GeneDx
Classification: Benign. Last evaluated: 2020-09-29. Review status: criteria provided, single submitter. Criteria: GeneDx Variant Classification Process June 2021. Collection method: clinical testing. Allele origin: germline. Affected: yes.
Comment: This variant is associated with the following publications: (PMID: 20556798)

Athena Diagnostics
Classification: Benign. Last evaluated: 2018-07-10. Review status: criteria provided, single submitter. Criteria: Athena Diagnostics Criteria. Collection method: clinical testing. Allele origin: germline.

Illumina Laboratory Services, Illumina
Classification: Benign for LAMB2-related infantile-onset nephrotic syndrome. Last evaluated: 2018-01-13. Review status: criteria provided, single submitter. Criteria: ICSL Variant Classification Criteria 13 December 2019. Collection method: clinical testing. Allele origin: germline.
Comment: This variant was observed in the ICSL laboratory as part of a predisposition screen in an ostensibly healthy population. It had not been previously curated by ICSL or reported in the Human Gene Mutation Database (HGMD: prior to June 1st, 2018), and was therefore a candidate for classification through an automated scoring system. Utilizing variant allele frequency, disease prevalence and penetrance estimates, and inheritance mode, an automated score was calculated to assess if this variant is too frequent to cause the disease. Based on the score and internal cut-off values, a variant classified as benign is not then subjected to further curation. The score for this variant resulted in a classification of benign for this disease.

Illumina Laboratory Services, Illumina
Classification: Benign for Pierson syndrome. Last evaluated: 2018-01-13. Review status: criteria provided, single submitter. Criteria: ICSL Variant Classification Criteria 13 December 2019. Collection method: clinical testing. Allele origin: germline.
Comment: the same text as in the submission from Illumina Laboratory Services, Illumina above.

Breakthrough Genomics
Classification: Benign. Review status: criteria provided, single submitter. Criteria: ACMG Guidelines, 2015. Collection method: not provided. Allele origin: germline. Inheritance: Autosomal recessive inheritance. Affected: yes.

PreventionGenetics, part of Exact Sciences
Classification: Benign. Review status: criteria provided, single submitter. Criteria: ACMG Guidelines, 2015. Collection method: clinical testing. Allele origin: germline.

Dr. Peter K. Rogan Lab, Western University
No classification provided (evidence only). Condition: Clear cell carcinoma of kidney. Review status: no classification provided. Collection method: in vitro. Allele origin: not applicable. Functional consequence: retained intron. Not counted in ClinVar's aggregate classification.

Dr. Peter K. Rogan Lab, Western University
No classification provided (evidence only). Condition: Clear cell carcinoma of kidney. Review status: no classification provided. Collection method: in vitro. Allele origin: not applicable. Functional consequence: retained intron. Not counted in ClinVar's aggregate classification.

Dr. Peter K. Rogan Lab, Western University
No classification provided (evidence only). Condition: Clear cell carcinoma of kidney. Review status: no classification provided. Collection method: in vitro. Allele origin: not applicable. Functional consequence: retained intron. Not counted in ClinVar's aggregate classification.

Dr. Peter K. Rogan Lab, Western University
No classification provided (evidence only). Condition: Clear cell carcinoma of kidney. Review status: no classification provided. Collection method: in vitro. Allele origin: not applicable. Functional consequence: retained intron. Not counted in ClinVar's aggregate classification.

Dr. Peter K. Rogan Lab, Western University
No classification provided (evidence only). Condition: Lung cancer. Review status: no classification provided. Collection method: in vitro. Allele origin: not applicable. Functional consequence: skipped exon. Not counted in ClinVar's aggregate classification.

Dr. Peter K. Rogan Lab, Western University
No classification provided (evidence only). Condition: Lung cancer. Review status: no classification provided. Collection method: in vitro. Allele origin: not applicable. Functional consequence: retained intron. Not counted in ClinVar's aggregate classification.

Dr. Peter K. Rogan Lab, Western University
No classification provided (evidence only). Condition: Melanoma. Review status: no classification provided. Collection method: in vitro. Allele origin: not applicable. Functional consequence: skipped exon, retained intron. Not counted in ClinVar's aggregate classification.

Dr. Peter K. Rogan Lab, Western University
No classification provided (evidence only). Condition: Melanoma. Review status: no classification provided. Collection method: in vitro. Allele origin: not applicable. Functional consequence: skipped exon. Not counted in ClinVar's aggregate classification.

Dr. Peter K. Rogan Lab, Western University
No classification provided (evidence only). Condition: Colon adenocarcinoma. Review status: no classification provided. Collection method: in vitro. Allele origin: not applicable. Functional consequence: retained intron. Not counted in ClinVar's aggregate classification.

Dr. Peter K. Rogan Lab, Western University
No classification provided (evidence only). Condition: Colon adenocarcinoma. Review status: no classification provided. Collection method: in vitro. Allele origin: not applicable. Functional consequence: retained intron. Not counted in ClinVar's aggregate classification.

Dr. Peter K. Rogan Lab, Western University
No classification provided (evidence only). Condition: Thyroid cancer, nonmedullary, 1. Review status: no classification provided. Collection method: in vitro. Allele origin: not applicable. Functional consequence: skipped exon. Not counted in ClinVar's aggregate classification.

Dr. Peter K. Rogan Lab, Western University
No classification provided (evidence only). Condition: Thyroid cancer, nonmedullary, 1. Review status: no classification provided. Collection method: in vitro. Allele origin: not applicable. Functional consequence: skipped exon. Not counted in ClinVar's aggregate classification.

Dr. Peter K. Rogan Lab, Western University
No classification provided (evidence only). Condition: Thyroid cancer, nonmedullary, 1. Review status: no classification provided. Collection method: in vitro. Allele origin: not applicable. Functional consequence: skipped exon. Not counted in ClinVar's aggregate classification.

Dr. Peter K. Rogan Lab, Western University
No classification provided (evidence only). Condition: Thyroid cancer, nonmedullary, 1. Review status: no classification provided. Collection method: in vitro. Allele origin: not applicable. Functional consequence: skipped exon. Not counted in ClinVar's aggregate classification.

Dr. Peter K. Rogan Lab, Western University
No classification provided (evidence only). Condition: Thyroid cancer, nonmedullary, 1. Review status: no classification provided. Collection method: in vitro. Allele origin: not applicable. Functional consequence: skipped exon, retained intron. Not counted in ClinVar's aggregate classification.

Dr. Peter K. Rogan Lab, Western University
No classification provided (evidence only). Condition: Uterine corpus endometrial carcinoma. Review status: no classification provided. Collection method: in vitro. Allele origin: not applicable. Functional consequence: skipped exon, retained intron. Not counted in ClinVar's aggregate classification.

Dr. Peter K. Rogan Lab, Western University
No classification provided (evidence only). Condition: Cervical cancer. Review status: no classification provided. Collection method: in vitro. Allele origin: not applicable. Functional consequence: skipped exon, retained intron. Not counted in ClinVar's aggregate classification.

Dr. Peter K. Rogan Lab, Western University
No classification provided (evidence only). Condition: Cervical cancer. Review status: no classification provided. Collection method: in vitro. Allele origin: not applicable. Functional consequence: retained intron. Not counted in ClinVar's aggregate classification.